The following is an entry in ClinVar:

ClinVar aggregate classification (germline): Likely pathogenic. Review status: criteria provided, multiple submitters, no conflicts (2 of 4 stars). 2 submissions from 2 submitters: Likely pathogenic (2). Last evaluated 2025-07-24.

Conditions:
Polycystic kidney disease, adult type (PKD1). Also called: Polycystic Kidney Disease 1, Autosomal Dominant; Polycystic kidney disease 1; Polycystic kidney disease 1, severe; Polycystic Kidney, Autosomal Dominant; POLYCYSTIC KIDNEY DISEASE 1 WITH OR WITHOUT POLYCYSTIC LIVER DISEASE; POLYCYSTIC KIDNEY DISEASE, ADULT, TYPE I. Identifiers: MedGen C3149841, MONDO:0008263, OMIM 173900.

Submissions (2):

Victorian Clinical Genetics Services, Murdoch Childrens Research Institute
Classification: Likely pathogenic for Polycystic kidney disease, adult type. Last evaluated: 2025-07-24. Review status: criteria provided, single submitter. Criteria: ACMG Guidelines, 2015. Collection method: clinical testing. Allele origin: germline. Affected: yes.
Comment: This variant is classified as Likely pathogenic. Evidence in support of pathogenic classification: Variant is absent from gnomAD (v2, v3 and v4); This variant has moderate previous evidence of pathogenicity in unrelated individuals. This variant has been classified as likely pathogenic by a clinical laboratory in ClinVar and reported in individuals with autosomal dominant polycystic kidney disease (ADPKD), or chronic kidney disease in the literature (PMIDs: 26139440, 33437033, 32398770, 29606500). Additionally, an alternative variant resulting in the same predicted protein outcome; c.9568G>C, has been classified as a VUS by a clinical laboratory in ClinVar; Other missense variant(s) comparable to the one identified in this case have moderate previous evidence for pathogenicity. p.(Gly3190Trp) has been classified likely pathogenic by a clinical laboratory in ClinVar, and p.(Gly3190Val) has been reported in an individual with ADPKD (PMID: 26274329); Missense variant predicted to be damaging by in silico tool(s) or highly conserved with a major amino acid change. Additional information: Variant is predicted to result in a missense amino acid change from Gly to Arg. This variant affects the last nucleotide of exon 27 of 46, which may have an impact on splicing; This variant is heterozygous; This gene is associated with autosomal dominant disease. Polycystic kidney disease 1 (MIM#173900) is predominantly caused by monoallelic variants, with rare reports of biallelic variants causing disease (OMIM); No published functional evidence has been identified for this variant; Variant is located in the annotated PLAT/LH2 domain (DECIPHER); Loss of function is a known mechanism of disease in this gene and is associated with polycystic kidney disease 1 (MIM#173900); Inheritance information for this variant is not currently available in this individual.

Molecular Genetics of Inherited Kidney Disorders Laboratory, Garvan Institute of Medical Research
Classification: Likely pathogenic. Last evaluated: 2019-01-01. Review status: criteria provided, single submitter. Criteria: ACMG Guidelines, 2015. Collection method: clinical testing. Allele origin: germline. Affected: yes.

Literature cited by the submitters: PubMed 29606500 (cited by Victorian Clinical Genetics Services, Murdoch Childrens Research Institute); PubMed 32398770 (cited by Victorian Clinical Genetics Services, Murdoch Childrens Research Institute); PubMed 33437033 (cited by Victorian Clinical Genetics Services, Murdoch Childrens Research Institute); PubMed 26139440 (cited by Victorian Clinical Genetics Services, Murdoch Childrens Research Institute); PubMed 26274329 (cited by Victorian Clinical Genetics Services, Murdoch Childrens Research Institute).

NM_001009944.3(PKD1):c.9568G>A (p.Gly3190Arg)

Gene: PKD1 (polycystin 1, transient receptor potential channel interacting; minus strand). Cytogenetic location: 16p13.3.
Variant type: single nucleotide variant.
Coding change: c.9568G>A on transcript NM_001009944.3 (MANE Select); coding-DNA position 9568, G replaced by A.
Protein change: p.Gly3190Arg; replaces glycine 3190 with arginine.
Molecular consequence: missense variant.
Genome position (GRCh38, 1-based): chr16:2,100,396, C>T on the plus strand (G>A on the coding strand, the complement: PKD1 is on the minus strand). VCF-style: chr16-2100396-C-T. GRCh37 (hg19) VCF-style: chr16-2150397-C-T.
Other names: c.9568G>A, p.Gly3190Arg (NM_000296.4); short protein forms G3190R.
Identifiers: ClinVar variation 972842 (VCV000972842.3), dbSNP rs1060499704, ClinGen allele CA394355750.
Genomic context (GRCh38, chr16:2,100,396, plus strand): 5'-GCTCGCAGGGCGCCCCAATGCGGGGGCAGAGGGGCAGAGCTTGGCAGGGTCCGCACAAAC[C>T]TTTGTTGTCGTGCCACACTCGGATCTTCCACACGCTACCCAGGCTGTGCGGGGTGGCGAT-3'
Protein context (NP_001009944.3, residues 3180-3200): WKIRVWHDNK[Gly3190Arg]LSPAWFLQHV